The following is an entry in ClinVar:

NM_016247.4(IMPG2):c.1184A>G (p.Asp395Gly)

Gene: IMPG2 (interphotoreceptor matrix proteoglycan 2; minus strand). Cytogenetic location: 3q12.3.
Variant type: single nucleotide variant.
Coding change: c.1184A>G on transcript NM_016247.4 (MANE Select); coding-DNA position 1184, A replaced by G.
Protein change: p.Asp395Gly; replaces aspartic acid 395 with glycine.
Molecular consequence: missense variant.
Genome position (GRCh38, 1-based): chr3:101,253,751, T>C on the plus strand (A>G on the coding strand, the complement: IMPG2 is on the minus strand). VCF-style: chr3-101253751-T-C. GRCh37 (hg19) VCF-style: chr3-100972595-T-C.
Other names: short protein forms D395G.
Identifiers: ClinVar variation 3695369 (VCV003695369.2).

ClinVar aggregate classification (germline): Uncertain significance (1 of 4 stars; one submission).

gnomAD v4.1: 8 of 1,611,638 alleles (0.0005%); highest among the groups gnomAD compares: Non-Finnish European, 0.00068%; no homozygotes.

Submission:

Labcorp Genetics (formerly Invitae), Labcorp
Classification: Uncertain significance. Last evaluated: 2024-03-30. Review status: criteria provided, single submitter. Criteria: Invitae Variant Classification Sherloc (09022015). Collection method: clinical testing. Allele origin: germline.
Comment: This sequence change replaces aspartic acid, which is acidic and polar, with glycine, which is neutral and non-polar, at codon 395 of the IMPG2 protein (p.Asp395Gly). This variant is present in population databases (rs375834731, gnomAD 0.002%). This variant has not been reported in the literature in individuals affected with IMPG2-related conditions. Advanced modeling of protein sequence and biophysical properties (such as structural, functional, and spatial information, amino acid conservation, physicochemical variation, residue mobility, and thermodynamic stability) performed at Invitae indicates that this missense variant is not expected to disrupt IMPG2 protein function with a negative predictive value of 80%. In summary, the available evidence is currently insufficient to determine the role of this variant in disease. Therefore, it has been classified as a Variant of Uncertain Significance.